The following is an entry in ClinVar:

NM_002626.6(PFKL):c.609C>T (p.Phe203=)

Gene: PFKL (phosphofructokinase, liver type; plus strand). Cytogenetic location: 21q22.3.
Variant type: single nucleotide variant.
Coding change: c.609C>T on transcript NM_002626.6 (MANE Select); coding-DNA position 609, C replaced by T.
Protein change: p.Phe203=; no amino-acid change (phenylalanine 203 retained).
Molecular consequence: synonymous variant.
Genome position (GRCh38, 1-based): chr21:44,313,653, C>T. VCF-style: chr21-44313653-C-T. GRCh37 (hg19) VCF-style: chr21-45733536-C-T.
Other names: c.759C>T, p.Phe253= (NM_001002021.3).
Identifiers: ClinVar variation 3388905 (VCV003388905.14).
Genomic context (GRCh38, chr21:44,313,653, plus strand): 5'-GCCGTGTGGCTGGCACTGATGCATCCTCCTGTTCCATCTCCACAGCCACCAGAGGACCTT[C>T]GTGCTGGAAGTGATGGGCCGGCACTGCGGGTGAGGAGGGGCTTCCTGGCCCGCTGGGTGG-3'
Protein context (NP_002617.3, residues 193-213): TTTAQSHQRT[Phe203=]VLEVMGRHCG

ClinVar aggregate classification (germline): Likely benign (1 of 4 stars; one submission).

gnomAD v4.1: 47 of 1,612,132 alleles (0.0029%); highest among the groups gnomAD compares: Middle Eastern, 0.016%; no homozygotes.

Submission:

CeGaT Center for Human Genetics Tuebingen
Classification: Likely benign. Last evaluated: 2024-09-01. Review status: criteria provided, single submitter. Criteria: CeGaT Center For Human Genetics Tuebingen Variant Classification Criteria Version 2. Collection method: clinical testing. Allele origin: germline. Affected: yes. Observed: 1 variant allele.
Comment: PFKL: BP4, BP7